The following is an entry in ClinVar:

NM_000823.4(GHRHR):c.564C>T (p.His188=)

Gene: GHRHR (growth hormone releasing hormone receptor; plus strand). Cytogenetic location: 7p14.3.
Variant type: single nucleotide variant.
Coding change: c.564C>T on transcript NM_000823.4 (MANE Select); coding-DNA position 564, C replaced by T.
Protein change: p.His188=; no amino-acid change (histidine 188 retained).
Molecular consequence: synonymous variant.
Genome position (GRCh38, 1-based): chr7:30,972,062, C>T. VCF-style: chr7-30972062-C-T. GRCh37 (hg19) VCF-style: chr7-31011677-C-T.
Identifiers: ClinVar variation 36276 (VCV000036276.16), dbSNP rs740336, ClinGen allele CA213879.

ClinVar aggregate classification (germline): Benign. Review status: criteria provided, multiple submitters, no conflicts (2 of 4 stars). 4 submissions from 4 submitters: Benign (4). Last evaluated 2026-02-03.

Conditions:
Idiopathic growth hormone deficiency (IGHD). Identifiers: MedGen C0342381.
Isolated growth hormone deficiency type IB (IGHD1B). Also called: IGHD 1B; IGHD IB. Identifiers: Orphanet 231671, Orphanet 631, MedGen C2748571, MONDO:0013006, OMIM 612781.

Allele frequency attached by ClinVar (database versions not stated): gnomAD exomes 0.02674 and 0.03118; ExAC 0.03435; gnomAD 0.04777 and 0.04789; TOPMed 0.05071; ESP Exome Variant Server 0.05213; 1000 Genomes Project 0.05970; 1000 Genomes Project 30x 0.06012.
gnomAD v4.1: 46,535 of 1,613,980 alleles (2.9%); highest among the groups gnomAD compares: African/African-American, 12%; 1,264 homozygotes.

Submissions (4):

Labcorp Genetics (formerly Invitae), Labcorp
Classification: Benign. Last evaluated: 2026-02-03. Review status: criteria provided, single submitter. Criteria: Invitae Variant Classification Sherloc (09022015). Collection method: clinical testing. Allele origin: germline.

GeneDx
Classification: Benign. Last evaluated: 2021-06-09. Review status: criteria provided, single submitter. Criteria: GeneDx Variant Classification Process June 2021. Collection method: clinical testing. Allele origin: germline. Affected: yes.

Illumina Laboratory Services, Illumina
Classification: Benign for Isolated growth hormone deficiency type IB. Last evaluated: 2018-01-12. Review status: criteria provided, single submitter. Criteria: ICSL Variant Classification Criteria 13 December 2019. Collection method: clinical testing. Allele origin: germline.
Comment: This variant was observed in the ICSL laboratory as part of a predisposition screen in an ostensibly healthy population. It had not been previously curated by ICSL or reported in the Human Gene Mutation Database (HGMD: prior to June 1st, 2018), and was therefore a candidate for classification through an automated scoring system. Utilizing variant allele frequency, disease prevalence and penetrance estimates, and inheritance mode, an automated score was calculated to assess if this variant is too frequent to cause the disease. Based on the score and internal cut-off values, a variant classified as benign is not then subjected to further curation. The score for this variant resulted in a classification of benign for this disease.

Women's Health and Genetics/Laboratory Corporation of America, LabCorp
Classification: Benign for Idiopathic Growth Hormone Deficiency. Last evaluated: 2011-08-18. Review status: criteria provided, single submitter. Criteria: LabCorp Variant Classification Summary - May 2015. Collection method: curation, clinical testing. Allele origin: germline. Inheritance: autosomal unknown. Affected: yes. Observed: 2 variant alleles.
ClinVar note: Converted during submission from benign to Benign.

Literature cited by the submitters: PubMed 12181638 (cited by Women's Health and Genetics/Laboratory Corporation of America, LabCorp); PubMed 18297129 (cited by Women's Health and Genetics/Laboratory Corporation of America, LabCorp).